The following is an entry in ClinVar:

ClinVar aggregate classification (germline): Uncertain significance (1 of 4 stars; one submission).

Allele frequency attached by ClinVar (database versions not stated): gnomAD 0.00001.
gnomAD v4.1: 3 of 1,613,842 alleles (0.00019%); highest among the groups gnomAD compares: African/African-American, 0.0027%; no homozygotes.

Submission:

Labcorp Genetics (formerly Invitae), Labcorp
Classification: Uncertain significance. Last evaluated: 2023-01-19. Review status: criteria provided, single submitter. Criteria: Invitae Variant Classification Sherloc (09022015). Collection method: clinical testing. Allele origin: germline.
Comment: This sequence change replaces proline, which is neutral and non-polar, with alanine, which is neutral and non-polar, at codon 197 of the C1S protein (p.Pro197Ala). In summary, the available evidence is currently insufficient to determine the role of this variant in disease. Therefore, it has been classified as a Variant of Uncertain Significance. Advanced modeling of protein sequence and biophysical properties (such as structural, functional, and spatial information, amino acid conservation, physicochemical variation, residue mobility, and thermodynamic stability) performed at Invitae indicates that this missense variant is not expected to disrupt C1S protein function. This variant has not been reported in the literature in individuals affected with C1S-related conditions. This variant is not present in population databases (gnomAD no frequency).

NM_001734.5(C1S):c.589C>G (p.Pro197Ala)

Gene: C1S (complement C1s; plus strand). Cytogenetic location: 12p13.31.
Variant type: single nucleotide variant.
Coding change: c.589C>G on transcript NM_001734.5 (MANE Select); coding-DNA position 589, C replaced by G.
Protein change: p.Pro197Ala; replaces proline 197 with alanine.
Molecular consequence: missense variant.
Genome position (GRCh38, 1-based): chr12:7,065,171, C>G. VCF-style: chr12-7065171-C-G. GRCh37 (hg19) VCF-style: chr12-7172475-C-G.
Other names: c.88C>G, p.Pro30Ala (NM_001346850.2); c.589C>G, p.Pro197Ala (NM_201442.4); short protein forms P30A, P197A.
Identifiers: ClinVar variation 3010837 (VCV003010837.3), dbSNP rs934893522, ClinGen allele CA232452161.